The following is an entry in ClinVar:

ClinVar aggregate classification (germline): Uncertain significance (1 of 4 stars; one submission).

Submission:

GeneDx
Classification: Uncertain significance. Last evaluated: 2026-02-05. Review status: criteria provided, single submitter. Criteria: GeneDx Variant Classification Process June 2021. Collection method: clinical testing. Allele origin: germline.
Comment: Not observed at significant frequency in large population cohorts (gnomAD); In silico analysis supports that this missense variant has a deleterious effect on protein structure/function; Has not been previously published as pathogenic or benign to our knowledge

NM_000540.3(RYR1):c.2969A>G (p.Asn990Ser)

Gene: RYR1 (ryanodine receptor 1; plus strand). Cytogenetic location: 19q13.2.
Variant type: single nucleotide variant.
Coding change: c.2969A>G on transcript NM_000540.3 (MANE Select); coding-DNA position 2969, A replaced by G.
Protein change: p.Asn990Ser; replaces asparagine 990 with serine.
Molecular consequence: missense variant.
Genome position (GRCh38, 1-based): chr19:38,466,189, A>G. VCF-style: chr19-38466189-A-G. GRCh37 (hg19) VCF-style: chr19-38956829-A-G.
Other names: c.2969A>G, p.Asn990Ser (NM_001042723.2); short protein forms N990S.
Identifiers: ClinVar variation 4887899 (VCV004887899.1).